The following is an entry in ClinVar:

NM_005257.6(GATA6):c.338T>C (p.Leu113Pro)

Gene: GATA6 (GATA binding protein 6; plus strand). Cytogenetic location: 18q11.2.
Variant type: single nucleotide variant.
Coding change: c.338T>C on transcript NM_005257.6 (MANE Select); coding-DNA position 338, T replaced by C.
Protein change: p.Leu113Pro; replaces leucine 113 with proline.
Molecular consequence: missense variant.
Genome position (GRCh38, 1-based): chr18:22,171,482, T>C. VCF-style: chr18-22171482-T-C. GRCh37 (hg19) VCF-style: chr18-19751443-T-C.
Other names: short protein forms L113P.
Identifiers: ClinVar variation 3573716 (VCV003573716.1).

ClinVar aggregate classification (germline): Uncertain significance (1 of 4 stars; one submission).

gnomAD v4.1: 1 of 1,601,364 alleles (0.000062%); highest among the groups gnomAD compares: Non-Finnish European, 0.000085%; no homozygotes.

Submission:

GeneDx
Classification: Uncertain significance. Last evaluated: 2024-07-14. Review status: criteria provided, single submitter. Criteria: GeneDx Variant Classification Process June 2021. Collection method: clinical testing. Allele origin: germline. Affected: yes.
Comment: Not observed at significant frequency in large population cohorts (gnomAD); In silico analysis indicates that this missense variant does not alter protein structure/function; Has not been previously published as pathogenic or benign to our knowledge